The following is an entry in ClinVar:

NM_000228.3(LAMB3):c.1188del (p.Gln398fs)

Gene: LAMB3 (laminin subunit beta 3; minus strand). Cytogenetic location: 1q32.2.
Variant type: Deletion.
Coding change: c.1188del on transcript NM_000228.3 (MANE Select); coding-DNA position 1188, one base deleted (C; older notation c.1188delC).
Protein change: p.Gln398fs; shifts the reading frame from glutamine 398.
Molecular consequence: frameshift variant.
Genome position (GRCh38, 1-based): chr1:209,628,135, G deleted on the plus strand (C on the coding strand, the reverse complement: LAMB3 is on the minus strand); the first of 2 consecutive G bases (chr1:209,628,135-209,628,136); deleting either gives the same sequence. VCF-style (leftmost placement, unchanged base first): chr1-209628134-CG-C. GRCh37 (hg19) VCF-style: chr1-209801479-CG-C.
Other names: c.1188del, p.Gln398fs (NM_001017402.2, NM_001127641.1); short protein forms Q398fs.
Identifiers: ClinVar variation 4851871 (VCV004851871.1).

ClinVar aggregate classification (germline): Likely pathogenic (1 of 4 stars; one submission).

Submission:

Dasa
Classification: Likely pathogenic. Last evaluated: 2025-11-25. Review status: criteria provided, single submitter. Criteria: DASA Assertion Criteria. Collection method: clinical testing. Allele origin: germline.
Comment: NM_000228.3(LAMB3):c.1188del (p.Gln398Serfs*112) introduces a premature termination codon predicted to result in loss of normal protein function. Loss-of-function is an established mechanism of disease for this gene. The variant is present at low frequency in population datasets. Based on the available data, this variant is classified as likely pathogenic.